The following is an entry in ClinVar:

NM_025233.7(COASY):c.354C>G (p.Phe118Leu)

Gene: COASY (Coenzyme A synthase; plus strand). Cytogenetic location: 17q21.2.
Variant type: single nucleotide variant.
Coding change: c.354C>G on transcript NM_025233.7 (MANE Select); coding-DNA position 354, C replaced by G.
Protein change: p.Phe118Leu; replaces phenylalanine 118 with leucine.
Molecular consequence: missense variant.
Genome position (GRCh38, 1-based): chr17:42,562,976, C>G. VCF-style: chr17-42562976-C-G. GRCh37 (hg19) VCF-style: chr17-40714994-C-G.
Other names: c.354C>G, p.Phe118Leu (NM_001042529.3); c.441C>G, p.Phe147Leu (NM_001042532.4); short protein forms F118L, F147L.
Identifiers: ClinVar variation 3906490 (VCV003906490.1).

ClinVar aggregate classification (germline): Uncertain significance (1 of 4 stars; one submission).

Submission:

GeneDx
Classification: Uncertain significance. Last evaluated: 2024-12-18. Review status: criteria provided, single submitter. Criteria: GeneDx Variant Classification Process June 2021. Collection method: clinical testing. Allele origin: germline. Affected: yes.
Comment: Not observed at significant frequency in large population cohorts (gnomAD); In silico analysis indicates that this missense variant does not alter protein structure/function; Has not been previously published as pathogenic or benign to our knowledge; This variant is associated with the following publications: (PMID: 27535533)